The following is an entry in ClinVar:

NM_003890.3(FCGBP):c.7260C>T (p.Gly2420=)

Gene: FCGBP (Fc gamma binding protein; minus strand). Cytogenetic location: 19q13.2.
Variant type: single nucleotide variant.
Coding change: c.7260C>T on transcript NM_003890.3 (MANE Select); coding-DNA position 7260, C replaced by T.
Protein change: p.Gly2420=; no amino-acid change (glycine 2420 retained).
Molecular consequence: synonymous variant.
Genome position (GRCh38, 1-based): chr19:39,906,064, G>A on the plus strand (C>T on the coding strand, the complement: FCGBP is on the minus strand). VCF-style: chr19-39906064-G-A. GRCh37 (hg19) VCF-style: chr19-40396137-G-A.
Identifiers: ClinVar variation 2649855 (VCV002649855.24), dbSNP rs1488305256, ClinGen allele CA882196870.

ClinVar aggregate classification (germline): Likely benign (1 of 4 stars; one submission).

Allele frequency attached by ClinVar (database versions not stated): gnomAD 0.00001.

Submission:

CeGaT Center for Human Genetics Tuebingen
Classification: Likely benign. Last evaluated: 2023-01-01. Review status: criteria provided, single submitter. Criteria: CeGaT Center For Human Genetics Tuebingen Variant Classification Criteria Version 2. Collection method: clinical testing. Allele origin: germline. Affected: yes. Observed: 1 variant allele.
Comment: FCGBP: BP4, BP7